The following is an entry in ClinVar:

ClinVar aggregate classification (germline): Uncertain significance. Review status: criteria provided, multiple submitters, no conflicts (2 of 4 stars). 2 submissions from 2 submitters: Uncertain significance (2). Last evaluated 2023-04-06.

Conditions:
Hereditary cancer-predisposing syndrome. Also called: Tumor predisposition; Hereditary Cancer Syndrome; Neoplastic Syndromes, Hereditary; Hereditary neoplastic syndrome. Identifiers: Orphanet 140162, MedGen C0027672, MeSH D009386, MONDO:0015356.
Hereditary breast ovarian cancer syndrome. Also called: Hereditary breast and ovarian cancer; Breast and ovarian cancer; Hereditary breast and/or ovarian cancer syndrome; Hereditary breast and ovarian cancer syndrome; BRCA1- and BRCA2-Associated Hereditary Breast and Ovarian Cancer; Hereditary breast and ovarian cancer syndrome (HBOC). Identifiers: Orphanet 145, MedGen C0677776, MeSH D061325, MONDO:0003582. Disease mechanism: loss of function.

Allele frequency attached by ClinVar (database versions not stated): gnomAD exomes below 0.00001; TOPMed below 0.00001.
gnomAD v4.1: 1 of 1,614,172 alleles (0.000062%); highest among the groups gnomAD compares: African/African-American, 0.0013%; no homozygotes.

Submissions (2):

Labcorp Genetics (formerly Invitae), Labcorp
Classification: Uncertain significance for Hereditary breast ovarian cancer syndrome. Last evaluated: 2023-04-06. Review status: criteria provided, single submitter. Criteria: Invitae Variant Classification Sherloc (09022015). Collection method: clinical testing. Allele origin: germline.
Comment: This sequence change replaces serine, which is neutral and polar, with glycine, which is neutral and non-polar, at codon 3284 of the BRCA2 protein (p.Ser3284Gly). This variant is not present in population databases (gnomAD no frequency). This variant has not been reported in the literature in individuals affected with BRCA2-related conditions. ClinVar contains an entry for this variant (Variation ID: 823509). Advanced modeling of protein sequence and biophysical properties (such as structural, functional, and spatial information, amino acid conservation, physicochemical variation, residue mobility, and thermodynamic stability) performed at Invitae indicates that this missense variant is not expected to disrupt BRCA2 protein function. In summary, the available evidence is currently insufficient to determine the role of this variant in disease. Therefore, it has been classified as a Variant of Uncertain Significance.

Ambry Genetics
Classification: Uncertain significance for Hereditary cancer-predisposing syndrome. Last evaluated: 2022-04-21. Review status: criteria provided, single submitter. Criteria: Ambry Variant Classification Scheme 2023. Collection method: clinical testing. Allele origin: germline.
Comment: The p.S3284G variant (also known as c.9850A>G), located in coding exon 26 of the BRCA2 gene, results from an A to G substitution at nucleotide position 9850. The serine at codon 3284 is replaced by glycine, an amino acid with similar properties. This amino acid position is well conserved in available vertebrate species. In addition, this alteration is predicted to be tolerated by in silico analysis. Since supporting evidence is limited at this time, the clinical significance of this alteration remains unclear.

NM_000059.4(BRCA2):c.9850A>G (p.Ser3284Gly)

Gene: BRCA2 (BRCA2 DNA repair associated; plus strand). Cytogenetic location: 13q13.1.
Variant type: single nucleotide variant.
Coding change: c.9850A>G on transcript NM_000059.4 (MANE Select); coding-DNA position 9850, A replaced by G.
Protein change: p.Ser3284Gly; replaces serine 3284 with glycine.
Molecular consequence: missense variant.
Genome position (GRCh38, 1-based): chr13:32,398,363, A>G. VCF-style: chr13-32398363-A-G. GRCh37 (hg19) VCF-style: chr13-32972500-A-G.
Other names: short protein forms S3284G.
Identifiers: ClinVar variation 823509 (VCV000823509.7), dbSNP rs1593201909, ClinGen allele CA387766470.